The following is an entry in ClinVar:

NM_015602.4(TOR1AIP1):c.794A>G (p.Gln265Arg)

Gene: TOR1AIP1 (torsin 1A interacting protein 1; plus strand). Cytogenetic location: 1q25.2.
Variant type: single nucleotide variant.
Coding change: c.794A>G on transcript NM_015602.4 (MANE Select); coding-DNA position 794, A replaced by G.
Protein change: p.Gln265Arg; replaces glutamine 265 with arginine.
Molecular consequence: missense variant.
Genome position (GRCh38, 1-based): chr1:179,904,020, A>G. VCF-style: chr1-179904020-A-G. GRCh37 (hg19) VCF-style: chr1-179873155-A-G.
Other names: c.797A>G, p.Gln266Arg (NM_001267578.2); short protein forms Q265R, Q266R.
Identifiers: ClinVar variation 954896 (VCV000954896.7), dbSNP rs768807943, ClinGen allele CA1268946.

ClinVar aggregate classification (germline): Uncertain significance (1 of 4 stars; one submission).

Conditions:
Autosomal recessive limb-girdle muscular dystrophy type 2Y (MRRSDC). Also called: Muscular dystrophy, limb-girdle, type 2y; Muscular dystrophy, autosomal recessive, with rigid spine and distal joint contractures. Identifiers: Orphanet 424261, MedGen C4511482, MONDO:0014900, OMIM 617072.

Allele frequency attached by ClinVar (database versions not stated): gnomAD exomes 0.00001; ExAC 0.00002.
gnomAD v4.1: 2 of 1,605,770 alleles (0.00012%); highest among the groups gnomAD compares: African/African-American, 0.0013%; no homozygotes.

Submission:

Labcorp Genetics (formerly Invitae), Labcorp
Classification: Uncertain significance for Autosomal recessive limb-girdle muscular dystrophy type 2Y. Last evaluated: 2019-10-27. Review status: criteria provided, single submitter. Criteria: Invitae Variant Classification Sherloc (09022015). Collection method: clinical testing. Allele origin: germline.
Comment: This variant has not been reported in the literature in individuals with TOR1AIP1-related conditions. In summary, the available evidence is currently insufficient to determine the role of this variant in disease. Therefore, it has been classified as a Variant of Uncertain Significance. Algorithms developed to predict the effect of missense changes on protein structure and function output the following: SIFT: "Tolerated"; PolyPhen-2: "Benign"; Align-GVGD: "Class C0". The arginine amino acid residue is found in multiple mammalian species, suggesting that this missense change does not adversely affect protein function. These predictions have not been confirmed by published functional studies and their clinical significance is uncertain. This variant is present in population databases (rs768807943, ExAC 0.006%). This sequence change replaces glutamine with arginine at codon 266 of the TOR1AIP1 protein (p.Gln266Arg). The glutamine residue is weakly conserved and there is a small physicochemical difference between glutamine and arginine.